The following is an entry in ClinVar:

ClinVar aggregate classification (germline): Uncertain significance. Review status: criteria provided, multiple submitters, no conflicts (2 of 4 stars). 6 submissions from 6 submitters: Uncertain significance (6). Last evaluated 2025-10-13.

Conditions:
Familial adenomatous polyposis 1 (FAP1). Also called: POLYPOSIS, ADENOMATOUS INTESTINAL; FAMILIAL ADENOMATOUS POLYPOSIS 1, ATTENUATED. Identifiers: MedGen C2713442, MONDO:0021056, OMIM 175100. Disease mechanism: loss of function.
Hereditary cancer-predisposing syndrome. Also called: Tumor predisposition; Hereditary Cancer Syndrome; Neoplastic Syndromes, Hereditary; Hereditary neoplastic syndrome. Identifiers: Orphanet 140162, MedGen C0027672, MeSH D009386, MONDO:0015356.
Classic or attenuated familial adenomatous polyposis. Identifiers: MedGen CN372698, MONDO:0021057.

Allele frequency attached by ClinVar (database versions not stated): TOPMed 0.00001.
gnomAD v4.1: 16 of 1,612,718 alleles (0.00099%); highest among the groups gnomAD compares: Non-Finnish European, 0.0014%; no homozygotes.

Submissions (6):

Labcorp Genetics (formerly Invitae), Labcorp
Classification: Uncertain significance for Familial adenomatous polyposis 1. Last evaluated: 2025-10-13. Review status: criteria provided, single submitter. Criteria: Invitae Variant Classification Sherloc (09022015). Collection method: clinical testing. Allele origin: germline.
Comment: This sequence change replaces proline, which is neutral and non-polar, with serine, which is neutral and polar, at codon 1843 of the APC protein (p.Pro1843Ser). This variant is present in population databases (no rsID available, gnomAD 0.0009%). This variant has not been reported in the literature in individuals affected with APC-related conditions. ClinVar contains an entry for this variant (Variation ID: 482272). Invitae Evidence Modeling of protein sequence and biophysical properties (such as structural, functional, and spatial information, amino acid conservation, physicochemical variation, residue mobility, and thermodynamic stability) indicates that this missense variant is not expected to disrupt APC protein function with a negative predictive value of 95%. In summary, the available evidence is currently insufficient to determine the role of this variant in disease. Therefore, it has been classified as a Variant of Uncertain Significance.

Color Diagnostics, LLC DBA Color Health
Classification: Uncertain significance for Hereditary cancer-predisposing syndrome. Last evaluated: 2024-03-06. Review status: criteria provided, single submitter. Criteria: ACMG Guidelines, 2015. Collection method: clinical testing. Allele origin: germline.
Comment: This missense variant replaces proline with serine at codon 1843 of the APC protein. Computational prediction suggests that this variant may not impact protein structure and function (internally defined REVEL score threshold <= 0.5, PMID: 27666373). To our knowledge, functional studies have not been reported for this variant. This variant has not been reported in individuals affected with APC-related disorders in the literature. This variant has been identified in 1/251038 chromosomes in the general population by the Genome Aggregation Database (gnomAD). The available evidence is insufficient to determine the role of this variant in disease conclusively. Therefore, this variant is classified as a Variant of Uncertain Significance.

Ambry Genetics
Classification: Uncertain significance for Hereditary cancer-predisposing syndrome. Last evaluated: 2023-11-02. Review status: criteria provided, single submitter. Criteria: Ambry Variant Classification Scheme 2023. Collection method: clinical testing. Allele origin: germline.
Comment: The p.P1843S variant (also known as c.5527C>T), located in coding exon 15 of the APC gene, results from a C to T substitution at nucleotide position 5527. The proline at codon 1843 is replaced by serine, an amino acid with similar properties. This amino acid position is highly conserved in available vertebrate species. In addition, in silico predictors for this gene do not accurately predict pathogenicity. Since supporting evidence is limited at this time, the clinical significance of this alteration remains unclear.

All of Us Research Program, National Institutes of Health
Classification: Uncertain significance for Classic or attenuated familial adenomatous polyposis. Last evaluated: 2023-05-04. Review status: criteria provided, single submitter. Criteria: ACMG Guidelines, 2015. Collection method: clinical testing. Allele origin: germline. Inheritance: Autosomal dominant inheritance. Observed: 2 variant alleles, 2 heterozygotes.
Comment: This missense variant replaces proline with serine at codon 1843 of the APC protein. Computational prediction suggests that this variant may not impact protein structure and function (internally defined REVEL score threshold <= 0.5, PMID: 27666373). To our knowledge, functional studies have not been reported for this variant. This variant has not been reported in individuals affected with APC-related disorders in the literature. This variant has been identified in 1/251038 chromosomes in the general population by the Genome Aggregation Database (gnomAD). The available evidence is insufficient to determine the role of this variant in disease conclusively. Therefore, this variant is classified as a Variant of Uncertain Significance.

This study involves interpretation of variants in research participants for the purpose of population health screening. Participant phenotype was not available at the time of variant classification. Additional details can be found in publication PMID: 35346344, PMCID: PMC8962531

Blueprint Genetics
Classification: Uncertain significance. Last evaluated: 2022-02-07. Review status: criteria provided, single submitter. Criteria: ACMG Guidelines, 2015. Collection method: clinical testing. Allele origin: germline.

GeneDx
Classification: Uncertain significance. Last evaluated: 2021-11-29. Review status: criteria provided, single submitter. Criteria: GeneDx Variant Classification Process June 2021. Collection method: clinical testing. Allele origin: germline. Affected: yes.
Comment: Not observed at a significant frequency in large population cohorts (Lek 2016); In silico analysis supports that this missense variant does not alter protein structure/function; Has not been previously published as pathogenic or benign to our knowledge; This variant is associated with the following publications: (PMID: 18199528)

NM_000038.6(APC):c.5527C>T (p.Pro1843Ser)

Gene: APC (APC regulator of Wnt signaling pathway; plus strand). Cytogenetic location: 5q22.2.
Variant type: single nucleotide variant.
Coding change: c.5527C>T on transcript NM_000038.6 (MANE Select); coding-DNA position 5527, C replaced by T.
Protein change: p.Pro1843Ser; replaces proline 1843 with serine.
Molecular consequence: missense variant.
Genome position (GRCh38, 1-based): chr5:112,841,121, C>T. VCF-style: chr5-112841121-C-T. GRCh37 (hg19) VCF-style: chr5-112176818-C-T.
Other names: c.5527C>T, p.Pro1843Ser (NM_001127510.3, NM_001354895.2); c.5473C>T, p.Pro1825Ser (NM_001127511.3); c.5581C>T, p.Pro1861Ser (NM_001354896.2); c.5557C>T, p.Pro1853Ser (NM_001354897.2); c.5452C>T, p.Pro1818Ser (NM_001354898.2); c.5443C>T, p.Pro1815Ser (NM_001354899.2); c.5404C>T, p.Pro1802Ser (NM_001354900.2); c.5350C>T, p.Pro1784Ser (NM_001354901.2); and 5 more; short protein forms P1825S, P1843S, P1752S, P1784S, P1815S, P1853S, P1560S, P1683S.
Identifiers: ClinVar variation 482272 (VCV000482272.24), dbSNP rs1461006300, ClinGen allele CA16033425.
Genomic context (GRCh38, chr5:112,841,121, plus strand): 5'-TTCAATGATAAGCTCCCAAATAATGAAGATAGAGTCAGAGGAAGTTTTGCTTTTGATTCA[C>T]CTCATCATTACACGCCTATTGAAGGAACTCCTTACTGTTTTTCACGAAATGATTCTTTGA-3'
Protein context (NP_000029.2, residues 1833-1853): RVRGSFAFDS[Pro1843Ser]HHYTPIEGTP